The following is an entry in ClinVar:

NM_005159.5(ACTC1):c.656G>A (p.Cys219Tyr)

Genes: ACTC1 (actin alpha cardiac muscle 1; minus strand), GJD2-DT (GJD2 divergent transcript; plus strand). Cytogenetic location: 15q14.
Variant type: single nucleotide variant.
Coding change: c.656G>A on transcript NM_005159.5 (MANE Select); coding-DNA position 656, G replaced by A.
Protein change: p.Cys219Tyr; replaces cysteine 219 with tyrosine.
Molecular consequence: missense variant.
Genome position (GRCh38, 1-based): chr15:34,792,242, C>T on the plus strand (G>A on the coding strand, the complement: ACTC1 is on the minus strand). VCF-style: chr15-34792242-C-T. GRCh37 (hg19) VCF-style: chr15-35084443-C-T.
Other names: short protein forms C219Y.
Identifiers: ClinVar variation 1304717 (VCV001304717.2), dbSNP rs2140430672, ClinGen allele CA391630682.

ClinVar aggregate classification (germline): Uncertain significance (1 of 4 stars; one submission).

Submission:

GeneDx
Classification: Uncertain significance. Last evaluated: 2019-12-11. Review status: criteria provided, single submitter. Criteria: GeneDx Variant Classification Process June 2021. Collection method: clinical testing. Allele origin: germline. Affected: yes.
Comment: Has not been previously published as pathogenic or benign to our knowledge; Not observed in large population cohorts (Lek et al., 2016); In silico analysis, which includes protein predictors and evolutionary conservation, supports a deleterious effect